The following is an entry in ClinVar:

NM_005228.5(EGFR):c.2709_2710delinsCC (p.Val904Leu)

Gene: EGFR (epidermal growth factor receptor; plus strand). Cytogenetic location: 7p11.2.
Variant type: Indel.
Coding change: c.2709_2710delinsCC on transcript NM_005228.5 (MANE Select); coding-DNA positions 2709 to 2710, TG replaced by CC.
Protein change: p.Val904Leu; replaces valine 904 with leucine.
Molecular consequence: missense variant.
Genome position (GRCh38, 1-based): chr7:55,198,724-55,198,725, TG replaced by CC. VCF-style: chr7-55198724-TG-CC. GRCh37 (hg19) VCF-style: chr7-55266417-TG-CC.
Other names: c.2574_2575delinsCC, p.Val859Leu (NM_001346897.2, NM_001346899.2); c.2709_2710delinsCC, p.Val904Leu (NM_001346898.2); c.2550_2551delinsCC, p.Val851Leu (NM_001346900.2); c.1908_1909delinsCC, p.Val637Leu (NM_001346941.2); short protein forms V637L, V851L, V859L, V904L.
Identifiers: ClinVar variation 2750604 (VCV002750604.3), dbSNP rs2534847438, ClinGen allele CA2697557288.
Genomic context (GRCh38, chr7:55,198,724, plus strand): 5'-GTGATTGTTCATTCATGATCCCACTGCCTTCTTTTCTTGCTTCATCCTCTCAGGGGTGAC[TG>CC]TTTGGGAGTTGATGACCTTTGGATCCAAGCCATATGACGGAATCCCTGCCAGCGAGATCT-3'
Protein context (NP_005219.2, residues 894-914): QSDVWSYGVT[Val904Leu]WELMTFGSKP

ClinVar aggregate classification (germline): Uncertain significance (1 of 4 stars; one submission).

Conditions:
EGFR-related lung cancer (EGFR). Identifiers: MedGen CN130014.

Submission:

Labcorp Genetics (formerly Invitae), Labcorp
Classification: Uncertain significance for EGFR-related lung cancer. Last evaluated: 2023-08-06. Review status: criteria provided, single submitter. Criteria: Invitae Variant Classification Sherloc (09022015). Collection method: clinical testing. Allele origin: germline.
Comment: In summary, the available evidence is currently insufficient to determine the role of this variant in disease. Therefore, it has been classified as a Variant of Uncertain Significance. Experimental studies and prediction algorithms are not available or were not evaluated, and the functional significance of this variant is currently unknown. This variant has not been reported in the literature in individuals affected with EGFR-related conditions. This variant is not present in population databases (gnomAD no frequency). This sequence change replaces valine, which is neutral and non-polar, with leucine, which is neutral and non-polar, at codon 904 of the EGFR protein (p.Val904Leu).